The following is an entry in ClinVar:

ClinVar aggregate classification (germline): Conflicting classifications of pathogenicity. Review status: criteria provided, conflicting classifications (1 of 4 stars). 5 submissions from 5 submitters: Uncertain significance (2); Likely benign (3). Last evaluated 2025-12-03.

Conditions:
Cardiovascular phenotype. Identifiers: MedGen CN230736.
Cardiomyopathy (CMYO). Also called: Cardiomyopathies. Identifiers: Orphanet 167848, MedGen C0878544, MONDO:0004994, HP:0001638. Inheritance: Various modes of inheritance.
Progressive familial heart block type IB (PFHB1B). Identifiers: Orphanet 871, MedGen C1970298, MONDO:0011474, OMIM 604559.

Allele frequency attached by ClinVar (database versions not stated): gnomAD 0.00009 and 0.00008; TOPMed 0.00012; 1000 Genomes Project 30x 0.00016; gnomAD exomes 0.00016; 1000 Genomes Project 0.00020; ExAC 0.00021.

Submissions (5):

Labcorp Genetics (formerly Invitae), Labcorp
Classification: Likely benign for Progressive familial heart block type IB. Last evaluated: 2025-12-03. Review status: criteria provided, single submitter. Criteria: Invitae Variant Classification Sherloc (09022015). Collection method: clinical testing. Allele origin: germline.

Ambry Genetics
Classification: Likely benign for Cardiovascular phenotype. Last evaluated: 2023-08-23. Review status: criteria provided, single submitter. Criteria: Ambry Variant Classification Scheme 2023. Collection method: clinical testing. Allele origin: germline.

Fulgent Genetics
Classification: Uncertain significance for Progressive familial heart block type IB. Last evaluated: 2018-10-31. Review status: criteria provided, single submitter. Criteria: ACMG Guidelines, 2015. Collection method: clinical testing. Allele origin: unknown.

GeneDx
Classification: Uncertain significance. Last evaluated: 2017-12-06. Review status: criteria provided, single submitter. Criteria: GeneDx Variant Classification (06012015). Collection method: clinical testing. Allele origin: germline. Affected: yes.
Comment: The R96X variant in the TRPM4 gene has not been reported previously as a pathogenic variant nor as a benign variant, to our knowledge. This variant is predicted to cause loss of normal protein function either through protein truncation or nonsense-mediated mRNA decay. The R96X variant is observed in 44/18854 (0.23%) alleles from individuals of East Asian background in large population cohorts (Lek et al., 2016). We interpret R96X as a variant of uncertain significance.

Center for Advanced Laboratory Medicine, UC San Diego Health, University of California San Diego
Classification: Likely benign for Cardiomyopathy. Last evaluated: 2017-04-04. Review status: criteria provided, single submitter. Criteria: ACMG Guidelines, 2015. Collection method: clinical testing. Allele origin: germline. Affected: yes. Observed: 1 variant allele.

NM_017636.4(TRPM4):c.286C>T (p.Arg96Ter)

Gene: TRPM4 (transient receptor potential cation channel subfamily M member 4; plus strand). Cytogenetic location: 19q13.33.
Variant type: single nucleotide variant.
Coding change: c.286C>T on transcript NM_017636.4 (MANE Select); coding-DNA position 286, C replaced by T.
Protein change: p.Arg96Ter; replaces arginine 96 with a stop codon.
Molecular consequence: nonsense. On other transcripts: intron variant (4).
Genome position (GRCh38, 1-based): chr19:49,167,935, C>T. VCF-style: chr19-49167935-C-T. GRCh37 (hg19) VCF-style: chr19-49671192-C-T.
Other names: c.286C>T, p.Arg96Ter (NM_001195227.2); c.-1105-325C>T (NM_001321282.2); c.268-618C>T (NM_001321281.2); c.-74-325C>T (NM_001321283.2); c.-237-618C>T (NM_001321285.2); short protein forms R96*.
Identifiers: ClinVar variation 489190 (VCV000489190.16), dbSNP rs148855956, ClinGen allele CA9568775.